The following is an entry in ClinVar:

NM_014112.5(TRPS1):c.1049T>C (p.Phe350Ser)

Gene: TRPS1 (transcriptional repressor GATA binding 1; minus strand). Cytogenetic location: 8q23.3.
Variant type: single nucleotide variant.
Coding change: c.1049T>C on transcript NM_014112.5 (MANE Select); coding-DNA position 1049, T replaced by C.
Protein change: p.Phe350Ser; replaces phenylalanine 350 with serine.
Molecular consequence: missense variant.
Genome position (GRCh38, 1-based): chr8:115,604,920, A>G on the plus strand (T>C on the coding strand, the complement: TRPS1 is on the minus strand). VCF-style: chr8-115604920-A-G. GRCh37 (hg19) VCF-style: chr8-116617147-A-G.
Other names: c.1022T>C, p.Phe341Ser (NM_001282902.3); c.1028T>C, p.Phe343Ser (NM_001282903.3); c.1010T>C, p.Phe337Ser (NM_001330599.2); short protein forms F337S, F341S, F343S, F350S.
Identifiers: ClinVar variation 3758775 (VCV003758775.2).

ClinVar aggregate classification (germline): Uncertain significance (1 of 4 stars; one submission).

Conditions:
Trichorhinophalangeal dysplasia type I (TRPS1). Also called: TRICHORHINOPHALANGEAL SYNDROME, TYPE I; TRPS I. Identifiers: Orphanet 77258, MedGen C0432233, MONDO:0008596, OMIM 190350.
Trichorhinophalangeal syndrome, type III (TRPS3). Also called: SUGIO-KAJII SYNDROME. Identifiers: Orphanet 77258, MedGen C1860823, OMIM 190351, MONDO:0008597.

Submission:

Labcorp Genetics (formerly Invitae), Labcorp
Classification: Uncertain significance for Trichorhinophalangeal syndrome, type III; Trichorhinophalangeal dysplasia type I. Last evaluated: 2024-09-27. Review status: criteria provided, single submitter. Criteria: Invitae Variant Classification Sherloc (09022015). Collection method: clinical testing. Allele origin: germline.
Comment: This sequence change replaces phenylalanine, which is neutral and non-polar, with serine, which is neutral and polar, at codon 350 of the TRPS1 protein (p.Phe350Ser). This variant is not present in population databases (gnomAD no frequency). This variant has not been reported in the literature in individuals affected with TRPS1-related conditions. Invitae Evidence Modeling of protein sequence and biophysical properties (such as structural, functional, and spatial information, amino acid conservation, physicochemical variation, residue mobility, and thermodynamic stability) indicates that this missense variant is expected to disrupt TRPS1 protein function with a positive predictive value of 80%. In summary, the available evidence is currently insufficient to determine the role of this variant in disease. Therefore, it has been classified as a Variant of Uncertain Significance.